The following is an entry in ClinVar:

ClinVar aggregate classification (germline): Pathogenic (1 of 4 stars; one submission).

Submission:

CeGaT Center for Human Genetics Tuebingen
Classification: Pathogenic. Last evaluated: 2025-08-01. Review status: criteria provided, single submitter. Criteria: CeGaT Center For Human Genetics Tuebingen Variant Classification Criteria Version 2. Collection method: clinical testing. Allele origin: germline. Affected: yes. Observed: 1 variant allele.
Comment: TNFAIP3: PVS1, PM2

NM_001270508.2(TNFAIP3):c.927del (p.Val309_Ile310insTer)

Gene: TNFAIP3 (TNF alpha induced protein 3; plus strand). Cytogenetic location: 6q23.3.
Variant type: Deletion.
Coding change: c.927del on transcript NM_001270508.2 (MANE Select); coding-DNA position 927, one base deleted (G; older notation c.927delG).
Protein change: p.Val309_Ile310insTer.
Molecular consequence: frameshift variant.
Genome position (GRCh38, 1-based): chr6:137,877,197, G deleted. VCF-style (leftmost placement, unchanged base first): chr6-137877196-TG-T. GRCh37 (hg19) VCF-style: chr6-138198333-TG-T.
Other names: c.927del, p.Val309_Ile310insTer (NM_001270507.2, NM_006290.4).
Identifiers: ClinVar variation 4083518 (VCV004083518.8).